The following is an entry in ClinVar:

ClinVar aggregate classification (germline): Likely benign (1 of 4 stars; one submission).

Allele frequency attached by ClinVar (database versions not stated): gnomAD 0.00334; ExAC 0.00549.

Submission:

CeGaT Center for Human Genetics Tuebingen
Classification: Likely benign. Last evaluated: 2023-11-01. Review status: criteria provided, single submitter. Criteria: CeGaT Center For Human Genetics Tuebingen Variant Classification Criteria Version 2. Collection method: clinical testing. Allele origin: germline. Affected: yes. Observed: 3 variant alleles.
Comment: MUC4: BS2

NM_018406.7(MUC4):c.8197G>C (p.Asp2733His)

Gene: MUC4 (mucin 4, cell surface associated). Cytogenetic location: 3q29.
Variant type: single nucleotide variant.
Coding change: c.8197G>C on transcript NM_018406.7 (MANE Select); coding-DNA position 8197, G replaced by C.
Protein change: p.Asp2733His; replaces aspartic acid 2733 with histidine.
Molecular consequence: missense variant. On other transcripts: genic upstream transcript variant (2).
Genome position (GRCh38, 1-based): chr3:195,783,383, C>G on the plus strand (G>C on the coding strand, the complement: MUC4 is on the minus strand). VCF-style: chr3-195783383-C-G. GRCh37 (hg19) VCF-style: chr3-195510254-C-G.
Other names: c.11860G>C, p.Asp3954His (NM_001322468.1); c.83-9078G>C (NM_138297.5); c.83-4928G>C (NM_004532.6); short protein forms D2733H, D3954H.
Identifiers: ClinVar variation 2654453 (VCV002654453.24), dbSNP rs773542127, ClinGen allele CA2771793.
Genomic context (GRCh38, chr3:195,783,383, plus strand): 5'-GAGGGGTGGTGTCACCTGTGGATACTGAGGAAGTCTCGGTGACAAGAAGAGGGGTGGTGT[C>G]ACCTGTGGATGATGAGGAAGTGTCGGTGACAGGAAGAGAGGTGGTGTCACCTGTGTATGC-3'
Protein context (NP_060876.5, residues 2723-2743): VTDTSSSSTG[Asp2733His]TTPLLVTETS